The following is an entry in ClinVar:

NM_004795.4(KL):c.1994C>A (p.Ala665Asp)

Gene: KL (klotho; plus strand). Cytogenetic location: 13q13.1.
Variant type: single nucleotide variant.
Coding change: c.1994C>A on transcript NM_004795.4 (MANE Select); coding-DNA position 1994, C replaced by A.
Protein change: p.Ala665Asp; replaces alanine 665 with aspartic acid.
Molecular consequence: missense variant.
Genome position (GRCh38, 1-based): chr13:33,061,073, C>A. VCF-style: chr13-33061073-C-A. GRCh37 (hg19) VCF-style: chr13-33635210-C-A.
Other names: short protein forms A665D.
Identifiers: ClinVar variation 2784983 (VCV002784983.3), dbSNP rs1364191775, ClinGen allele CA387795426.

ClinVar aggregate classification (germline): Uncertain significance (1 of 4 stars; one submission).

Allele frequency attached by ClinVar (database versions not stated): TOPMed below 0.00001; gnomAD 0.00001; gnomAD exomes 0.00001.
gnomAD v4.1: 12 of 1,612,916 alleles (0.00074%); highest among the groups gnomAD compares: African/African-American, 0.0053%; no homozygotes.

Submission:

Labcorp Genetics (formerly Invitae), Labcorp
Classification: Uncertain significance. Last evaluated: 2022-12-05. Review status: criteria provided, single submitter. Criteria: Invitae Variant Classification Sherloc (09022015). Collection method: clinical testing. Allele origin: germline.
Comment: Advanced modeling of protein sequence and biophysical properties (such as structural, functional, and spatial information, amino acid conservation, physicochemical variation, residue mobility, and thermodynamic stability) has been performed at Invitae for this missense variant, however the output from this modeling did not meet the statistical confidence thresholds required to predict the impact of this variant on KL protein function. This variant has not been reported in the literature in individuals affected with KL-related conditions. This variant is present in population databases (no rsID available, gnomAD 0.004%). This sequence change replaces alanine, which is neutral and non-polar, with aspartic acid, which is acidic and polar, at codon 665 of the KL protein (p.Ala665Asp). In summary, the available evidence is currently insufficient to determine the role of this variant in disease. Therefore, it has been classified as a Variant of Uncertain Significance.